The following is an entry in ClinVar:

NM_017775.4(TTC19):c.185-1G>T

Genes: TTC19 (tetratricopeptide repeat domain 19; plus strand), LOC130060311 (ATAC-STARR-seq lymphoblastoid silent region 8214; plus strand). Cytogenetic location: 17p12.
Variant type: single nucleotide variant.
Coding change: c.185-1G>T on transcript NM_017775.4 (MANE Select); the canonical splice acceptor site of the intron before coding-DNA position 185, G replaced by T.
Molecular consequence: splice acceptor variant.
Genome position (GRCh38, 1-based): chr17:16,000,117, G>T. VCF-style: chr17-16000117-G-T. GRCh37 (hg19) VCF-style: chr17-15903431-G-T.
Other names: c.-274-1G>T (NM_001271420.2).
Identifiers: ClinVar variation 4855534 (VCV004855534.1).

ClinVar aggregate classification (germline): Likely pathogenic (1 of 4 stars; one submission).

Conditions:
Mitochondrial complex III deficiency nuclear type 2. Identifiers: MedGen C3554605, MONDO:0014063, OMIM 615157.

Submission:

3billion
Classification: Likely pathogenic for Mitochondrial complex III deficiency nuclear type 2. Last evaluated: 2026-01-23. Review status: criteria provided, single submitter. Criteria: ACMG Guidelines, 2015. Collection method: clinical testing. Allele origin: germline. Affected: yes.
Comment: The variant is not observed in the gnomAD v4.1.0 dataset. Predicted Consequence/Location: Canonical splice site: predicted to alter splicing and result in a loss or disruption of normal protein function. Multiple pathogenic loss-of-function variants are reported downstream of the variant. In silico tools predict the variant to alter splicing and produce an abnormal transcript [SpliceAI: 0.98 (spliceogenicity >=0.2, non-spliceogenicity <0.1)]. Therefore, this variant is classified as Likely pathogenic according to the recommendation of ACMG/AMP guideline.